The following is an entry in ClinVar:

ClinVar aggregate classification (germline): Pathogenic (1 of 4 stars; one submission).

Conditions:
Neurofibromatosis, type 1 (NF1). Also called: Peripheral type neurofibromatosis; Neurofibromatosis, type I; VON RECKLINGHAUSEN DISEASE; NEUROFIBROMATOSIS, TYPE I, SOMATIC. Identifiers: Orphanet 636, MedGen C0027831, MONDO:0018975, OMIM 162200. Disease mechanism: loss of function.

Submission:

Labcorp Genetics (formerly Invitae), Labcorp
Classification: Pathogenic for Neurofibromatosis, type 1. Last evaluated: 2018-05-15. Review status: criteria provided, single submitter. Criteria: Invitae Variant Classification Sherloc (09022015). Collection method: clinical testing. Allele origin: germline.
Comment: For these reasons, this variant has been classified as Pathogenic. Loss-of-function variants in NF1 are known to be pathogenic (PMID: 10712197, 23913538). This variant has not been reported in the literature in individuals with NF1-related disease. This variant is not present in population databases (ExAC no frequency). This sequence change creates a premature translational stop signal (p.Val1773Profs*4) in the NF1 gene. It is expected to result in an absent or disrupted protein product.

Literature cited by the submitters: PubMed 10712197; PubMed 23913538.

NM_001042492.3(NF1):c.5376_5379dup (p.Val1794fs)

Gene: NF1 (neurofibromin 1; plus strand). Cytogenetic location: 17q11.2.
Variant type: Duplication.
Coding change: c.5376_5379dup on transcript NM_001042492.3 (MANE Select); coding-DNA positions 5376 to 5379, 4 bases duplicated (CCTA; older notation c.5376_5379dupCCTA).
Protein change: p.Val1794fs; shifts the reading frame from valine 1794.
Molecular consequence: frameshift variant.
Genome position (GRCh38, 1-based): chr17:31,327,606-31,327,609, CCTA duplicated. VCF-style (leftmost placement, unchanged base first): chr17-31327605-G-GCCTA. GRCh37 (hg19) VCF-style: chr17-29654623-G-GCCTA.
Other names: c.5313_5316dup, p.Val1773Profs (NM_000267.4); c.5313_5316dupCCTA (NM_000267.3); short protein forms V1794fs, V1773fs.
Identifiers: ClinVar variation 580268 (VCV000580268.5), dbSNP rs1567612435, ClinGen allele CA891844395.